The following is an entry in ClinVar:

NM_177924.5(ASAH1):c.1024A>G (p.Asn342Asp)

Gene: ASAH1 (N-acylsphingosine amidohydrolase 1; minus strand). Cytogenetic location: 8p22.
Variant type: single nucleotide variant.
Coding change: c.1024A>G on transcript NM_177924.5 (MANE Select); coding-DNA position 1024, A replaced by G.
Protein change: p.Asn342Asp; replaces asparagine 342 with aspartic acid.
Molecular consequence: missense variant.
Genome position (GRCh38, 1-based): chr8:18,059,358, T>C on the plus strand (A>G on the coding strand, the complement: ASAH1 is on the minus strand). VCF-style: chr8-18059358-T-C. GRCh37 (hg19) VCF-style: chr8-17916867-T-C.
Other names: c.1006A>G, p.Asn336Asp (NM_001127505.3); c.829A>G, p.Asn277Asp (NM_001363743.2); c.1072A>G, p.Asn358Asp (NM_004315.6); short protein forms N277D, N342D, N336D, N358D.
Identifiers: ClinVar variation 1348887 (VCV001348887.3), dbSNP rs372928199, ClinGen allele CA4650594.

ClinVar aggregate classification (germline): Uncertain significance (1 of 4 stars; one submission).

Allele frequency attached by ClinVar (database versions not stated): gnomAD exomes below 0.00001 and 0.00001; ExAC 0.00001; gnomAD 0.00005 and 0.00006; TOPMed 0.00005; ESP Exome Variant Server 0.00008.
gnomAD v4.1: 11 of 1,614,106 alleles (0.00068%); highest among the groups gnomAD compares: African/African-American, 0.015%; 1 homozygote.

Submission:

Labcorp Genetics (formerly Invitae), Labcorp
Classification: Uncertain significance. Last evaluated: 2022-02-09. Review status: criteria provided, single submitter. Criteria: Invitae Variant Classification Sherloc (09022015). Collection method: clinical testing. Allele origin: germline.
Comment: This sequence change replaces asparagine, which is neutral and polar, with aspartic acid, which is acidic and polar, at codon 342 of the ASAH1 protein (p.Asn342Asp). This variant is present in population databases (rs372928199, gnomAD 0.01%). This variant has not been reported in the literature in individuals affected with ASAH1-related conditions. Algorithms developed to predict the effect of missense changes on protein structure and function (SIFT, PolyPhen-2, Align-GVGD) all suggest that this variant is likely to be tolerated. In summary, the available evidence is currently insufficient to determine the role of this variant in disease. Therefore, it has been classified as a Variant of Uncertain Significance.